The following is an entry in ClinVar:

ClinVar aggregate classification (germline): Uncertain significance (0 of 4 stars; one submission).

Conditions:
EYA1-related disorder. Also called: EYA1-related condition.

Allele frequency attached by ClinVar (database versions not stated): gnomAD exomes 0.00001.
gnomAD v4.1: 9 of 1,614,166 alleles (0.00056%); highest among the groups gnomAD compares: South Asian, 0.0011%; no homozygotes.

Submission:

PreventionGenetics, part of Exact Sciences
Classification: Uncertain significance for EYA1-related condition. Last evaluated: 2024-01-03. Review status: no assertion criteria provided. Collection method: clinical testing. Allele origin: germline.
Comment: The EYA1 c.911G>A variant is predicted to result in the amino acid substitution p.Arg304His. To our knowledge, this variant has not been reported in the literature. This variant is reported in 0.029% of alleles in individuals of European (Finnish) descent in gnomAD. At this time, the clinical significance of this variant is uncertain due to the absence of conclusive functional and genetic evidence.

NM_000503.6(EYA1):c.911G>A (p.Arg304His)

Gene: EYA1 (EYA transcriptional coactivator and phosphatase 1; minus strand). Cytogenetic location: 8q13.3.
Variant type: single nucleotide variant.
Coding change: c.911G>A on transcript NM_000503.6 (MANE Select); coding-DNA position 911, G replaced by A.
Protein change: p.Arg304His; replaces arginine 304 with histidine.
Molecular consequence: missense variant.
Genome position (GRCh38, 1-based): chr8:71,271,813, C>T on the plus strand (G>A on the coding strand, the complement: EYA1 is on the minus strand). VCF-style: chr8-71271813-C-T. GRCh37 (hg19) VCF-style: chr8-72184048-C-T.
Other names: c.893G>A, p.Arg298His (NM_001288574.2); c.545G>A, p.Arg182His (NM_001288575.2); c.998G>A, p.Arg333His (NM_001370333.1); c.911G>A, p.Arg304His (NM_001370334.1, NM_001370335.1, NM_172058.4); c.980G>A, p.Arg327His (NM_001370336.1); c.812G>A, p.Arg271His (NM_001411797.1, NM_172060.4); c.983G>A, p.Arg328His (NM_172059.5); short protein forms R182H, R271H, R298H, R304H, R327H, R328H, R333H.
Identifiers: ClinVar variation 3047986 (VCV003047986.2), dbSNP rs1036380891, ClinGen allele CA179250659.